The following is an entry in ClinVar:

NM_006514.4(SCN10A):c.3620C>T (p.Ala1207Val)

Gene: SCN10A (sodium voltage-gated channel alpha subunit 10; minus strand). Cytogenetic location: 3p22.2.
Variant type: single nucleotide variant.
Coding change: c.3620C>T on transcript NM_006514.4 (MANE Select); coding-DNA position 3620, C replaced by T.
Protein change: p.Ala1207Val; replaces alanine 1207 with valine.
Molecular consequence: missense variant.
Genome position (GRCh38, 1-based): chr3:38,718,714, G>A on the plus strand (C>T on the coding strand, the complement: SCN10A is on the minus strand). VCF-style: chr3-38718714-G-A. GRCh37 (hg19) VCF-style: chr3-38760205-G-A.
Other names: c.3617C>T, p.Ala1206Val (NM_001293306.2); c.3326C>T, p.Ala1109Val (NM_001293307.2); short protein forms A1109V, A1206V, A1207V.
Identifiers: ClinVar variation 3367945 (VCV003367945.1).

ClinVar aggregate classification (germline): Uncertain significance (1 of 4 stars; one submission).

Submission:

GeneDx
Classification: Uncertain significance. Last evaluated: 2024-01-16. Review status: criteria provided, single submitter. Criteria: GeneDx Variant Classification Process June 2021. Collection method: clinical testing. Allele origin: germline. Affected: yes.
Comment: Has not been previously published as pathogenic or benign to our knowledge; Not observed at significant frequency in large population cohorts (gnomAD); In silico analysis supports that this missense variant has a deleterious effect on protein structure/function